The following is an entry in ClinVar:

ClinVar aggregate classification (germline): Uncertain significance (1 of 4 stars; one submission).

gnomAD v4.1: 1 of 1,601,894 alleles (0.000062%); highest among the groups gnomAD compares: Non-Finnish European, 0.000085%; no homozygotes.

Submission:

GeneDx
Classification: Uncertain significance. Last evaluated: 2023-07-18. Review status: criteria provided, single submitter. Criteria: GeneDx Variant Classification Process June 2021. Collection method: clinical testing. Allele origin: germline. Affected: yes.
Comment: Not observed at significant frequency in large population cohorts (gnomAD); In silico analysis supports that this missense variant does not alter protein structure/function; Has not been previously published as pathogenic or benign to our knowledge

NM_001134232.2(TMEM106B):c.583A>T (p.Ile195Phe)

Gene: TMEM106B (transmembrane protein 106B; plus strand). Cytogenetic location: 7p21.3.
Variant type: single nucleotide variant.
Coding change: c.583A>T on transcript NM_001134232.2 (MANE Select); coding-DNA position 583, A replaced by T.
Protein change: p.Ile195Phe; replaces isoleucine 195 with phenylalanine.
Molecular consequence: missense variant.
Genome position (GRCh38, 1-based): chr7:12,230,389, A>T. VCF-style: chr7-12230389-A-T. GRCh37 (hg19) VCF-style: chr7-12270015-A-T.
Other names: c.583A>T, p.Ile195Phe (NM_018374.4); short protein forms I195F.
Identifiers: ClinVar variation 3361320 (VCV003361320.1).